The following is an entry in ClinVar:

ClinVar aggregate classification (germline): Uncertain significance (1 of 4 stars; one submission).

Allele frequency attached by ClinVar (database versions not stated): ExAC 0.00001; gnomAD exomes 0.00002; TOPMed 0.00002; gnomAD 0.00003.
gnomAD v4.1: 25 of 1,209,724 alleles (0.0021%); highest among the groups gnomAD compares: East Asian, 0.003%; no homozygotes.

Submission:

Labcorp Genetics (formerly Invitae), Labcorp
Classification: Uncertain significance. Last evaluated: 2025-08-29. Review status: criteria provided, single submitter. Criteria: Invitae Variant Classification Sherloc (09022015). Collection method: clinical testing. Allele origin: germline.
Comment: This sequence change replaces arginine, which is basic and polar, with histidine, which is basic and polar, at codon 529 of the DRP2 protein (p.Arg529His). This variant is present in population databases (rs758782031, gnomAD 0.008%). This variant has not been reported in the literature in individuals affected with DRP2-related conditions. ClinVar contains an entry for this variant (Variation ID: 1948603). Invitae Evidence Modeling of protein sequence and biophysical properties (such as structural, functional, and spatial information, amino acid conservation, physicochemical variation, residue mobility, and thermodynamic stability) indicates that this missense variant is not expected to disrupt DRP2 protein function with a negative predictive value of 80%. In summary, the available evidence is currently insufficient to determine the role of this variant in disease. Therefore, it has been classified as a Variant of Uncertain Significance.

NM_001939.3(DRP2):c.1586G>A (p.Arg529His)

Gene: DRP2 (dystrophin related protein 2; plus strand). Cytogenetic location: Xq22.1.
Variant type: single nucleotide variant.
Coding change: c.1586G>A on transcript NM_001939.3 (MANE Select); coding-DNA position 1586, G replaced by A.
Protein change: p.Arg529His; replaces arginine 529 with histidine.
Molecular consequence: missense variant.
Genome position (GRCh38, 1-based): chrX:101,250,468, G>A. VCF-style: chrX-101250468-G-A. GRCh37 (hg19) VCF-style: chrX-100505457-G-A.
Other names: c.1352G>A, p.Arg451His (NM_001171184.2); short protein forms R451H, R529H.
Identifiers: ClinVar variation 1948603 (VCV001948603.5), dbSNP rs758782031, ClinGen allele CA10472311.
Genomic context (GRCh38, chrX:101,250,468, plus strand): 5'-CGGTGGGGCCAGCAGACCTCTTCAGCCAAGTGGCCAACTCAGGCAGCCAGTGTGACCAGC[G>A]CCACCTTGGTGTCCTGCTTCATGAGGCCATTCAGGTGCCCCGTCAGCTGGGTGAAGTGGC-3'
Protein context (NP_001930.2, residues 519-539): VANSGSQCDQ[Arg529His]HLGVLLHEAI